The following is an entry in ClinVar:

ClinVar aggregate classification (germline): Uncertain significance (1 of 4 stars; one submission).

Conditions:
Arrhythmogenic right ventricular dysplasia 12. Also called: ARRHYTHMOGENIC RIGHT VENTRICULAR DYSPLASIA, FAMILIAL, 12. Identifiers: MedGen C1969081, MONDO:0012684, OMIM 611528.
Naxos disease (NXD). Also called: PALMOPLANTAR KERATODERMA WITH ARRHYTHMOGENIC RIGHT VENTRICULAR CARDIOMYOPATHY AND WOOLLY HAIR; WOOLLY HAIR, PALMOPLANTAR KERATODERMA, AND CARDIAC ABNORMALITIES; CARDIOMYOPATHY, ARRHYTHMOGENIC RIGHT VENTRICULAR, WITH SKIN, HAIR, AND NAIL ABNORMALITIES; KERATOSIS PALMOPLANTARIS WITH ARRHYTHMOGENIC CARDIOMYOPATHY; MAL DE NAXOS. Identifiers: Orphanet 34217, MedGen C1832600, MONDO:0011017, OMIM 601214.

gnomAD v4.1: 1 of 1,614,256 alleles (0.000062%); highest among the groups gnomAD compares: Non-Finnish European, 0.000085%; no homozygotes.

Submission:

Labcorp Genetics (formerly Invitae), Labcorp
Classification: Uncertain significance for Arrhythmogenic right ventricular dysplasia 12; Naxos disease. Last evaluated: 2025-07-08. Review status: criteria provided, single submitter. Criteria: Invitae Variant Classification Sherloc (09022015). Collection method: clinical testing. Allele origin: germline.
Comment: This sequence change replaces histidine, which is basic and polar, with tyrosine, which is neutral and polar, at codon 675 of the JUP protein (p.His675Tyr). This variant is not present in population databases (gnomAD no frequency). This variant has not been reported in the literature in individuals affected with JUP-related conditions. An algorithm developed to predict the effect of missense changes on protein structure and function (PolyPhen-2) suggests that this variant is likely to be tolerated. In summary, the available evidence is currently insufficient to determine the role of this variant in disease. Therefore, it has been classified as a Variant of Uncertain Significance.

NM_002230.4(JUP):c.2023C>T (p.His675Tyr)

Gene: JUP (junction plakoglobin; minus strand). Cytogenetic location: 17q21.2.
Variant type: single nucleotide variant.
Coding change: c.2023C>T on transcript NM_002230.4 (MANE Select); coding-DNA position 2023, C replaced by T.
Protein change: p.His675Tyr; replaces histidine 675 with tyrosine.
Molecular consequence: missense variant.
Genome position (GRCh38, 1-based): chr17:41,757,438, G>A on the plus strand (C>T on the coding strand, the complement: JUP is on the minus strand). VCF-style: chr17-41757438-G-A. GRCh37 (hg19) VCF-style: chr17-39913690-G-A.
Other names: c.2023C>T, p.His675Tyr (NM_001352773.2, NM_001352774.2, NM_001352775.2 and 3 more transcripts); short protein forms H675Y.
Identifiers: ClinVar variation 4793925 (VCV004793925.1).